The following is an entry in ClinVar:

ClinVar aggregate classification (germline): Uncertain significance (1 of 4 stars; one submission).

Conditions:
Aortic aneurysm, familial thoracic 7 (AAT7). Also called: AORTIC DISSECTION, FAMILIAL, WITH OR WITHOUT AORTIC ANEURYSM. Identifiers: MedGen C3151077, MONDO:0013418, OMIM 613780.

gnomAD v4.1: 3 of 1,614,146 alleles (0.00019%); highest among the groups gnomAD compares: Non-Finnish European, 0.00017%; no homozygotes.

Submission:

Labcorp Genetics (formerly Invitae), Labcorp
Classification: Uncertain significance for Aortic aneurysm, familial thoracic 7. Last evaluated: 2024-12-17. Review status: criteria provided, single submitter. Criteria: Invitae Variant Classification Sherloc (09022015). Collection method: clinical testing. Allele origin: germline.
Comment: This sequence change replaces serine, which is neutral and polar, with tyrosine, which is neutral and polar, at codon 320 of the MYLK protein (p.Ser320Tyr). The frequency data for this variant in the population databases is considered unreliable, as metrics indicate poor data quality at this position in the gnomAD database. This variant has not been reported in the literature in individuals affected with MYLK-related conditions. Invitae Evidence Modeling of protein sequence and biophysical properties (such as structural, functional, and spatial information, amino acid conservation, physicochemical variation, residue mobility, and thermodynamic stability) indicates that this missense variant is not expected to disrupt MYLK protein function with a negative predictive value of 95%. In summary, the available evidence is currently insufficient to determine the role of this variant in disease. Therefore, it has been classified as a Variant of Uncertain Significance.

NM_053025.4(MYLK):c.959C>A (p.Ser320Tyr)

Gene: MYLK (myosin light chain kinase; minus strand). Cytogenetic location: 3q21.1.
Variant type: single nucleotide variant.
Coding change: c.959C>A on transcript NM_053025.4 (MANE Select); coding-DNA position 959, C replaced by A.
Protein change: p.Ser320Tyr; replaces serine 320 with tyrosine.
Molecular consequence: missense variant.
Genome position (GRCh38, 1-based): chr3:123,734,037, G>T on the plus strand (C>A on the coding strand, the complement: MYLK is on the minus strand). VCF-style: chr3-123734037-G-T. GRCh37 (hg19) VCF-style: chr3-123452884-G-T.
Other names: c.431C>A, p.Ser144Tyr (NM_001321309.2); c.959C>A, p.Ser320Tyr (NM_053026.4, NM_053027.4, NM_053028.4); short protein forms S144Y, S320Y.
Identifiers: ClinVar variation 3635789 (VCV003635789.2).
Genomic context (GRCh38, chr3:123,734,037, plus strand): 5'-TTCTGAAGGACCGGGGTCTGCGGGGCCGTTCTGGGCGAGTCCTTGCATGACTCCAGCTTG[G>T]ACTCCCTTGGGGGCTGAGGCTGGCTGTTTGCAGCCCAGGGTGGGGAGCCACCTCTCTGGG-3'
Protein context (NP_444253.3, residues 310-330): ANSQPQPPRE[Ser320Tyr]KLESCKDSPR